The following is an entry in ClinVar:

NM_198578.4(LRRK2):c.2355G>C (p.Gln785His)

Gene: LRRK2 (leucine rich repeat kinase 2; plus strand). Cytogenetic location: 12q12.
Variant type: single nucleotide variant.
Coding change: c.2355G>C on transcript NM_198578.4 (MANE Select); coding-DNA position 2355, G replaced by C.
Protein change: p.Gln785His; replaces glutamine 785 with histidine.
Molecular consequence: missense variant.
Genome position (GRCh38, 1-based): chr12:40,283,988, G>C. VCF-style: chr12-40283988-G-C. GRCh37 (hg19) VCF-style: chr12-40677790-G-C.
Other names: short protein forms Q785H.
Identifiers: ClinVar variation 2567378 (VCV002567378.2), dbSNP rs1440840299, ClinGen allele CA384406664.

ClinVar aggregate classification (germline): Uncertain significance (1 of 4 stars; one submission).

Conditions:
Inborn genetic diseases. Identifiers: MedGen C0950123, MeSH D030342.

Submission:

Ambry Genetics
Classification: Uncertain significance for Inborn genetic diseases. Last evaluated: 2023-04-28. Review status: criteria provided, single submitter. Criteria: Ambry Variant Classification Scheme 2023. Collection method: clinical testing. Allele origin: germline.
Comment: The p.Q785H variant (also known as c.2355G>C), located in coding exon 19 of the LRRK2 gene, results from a G to C substitution at nucleotide position 2355. The glutamine at codon 785 is replaced by histidine, an amino acid with highly similar properties. This amino acid position is conserved. In addition, this alteration is predicted to be tolerated by in silico analysis. Since supporting evidence is limited at this time, the clinical significance of this alteration remains unclear.